The following is an entry in ClinVar:

ClinVar aggregate classification (germline): Pathogenic. Review status: reviewed by expert panel (3 of 4 stars). 6 submissions from 6 submitters: Pathogenic (1). 5 of the submissions do not count toward it. Last evaluated 2023-08-25.

Conditions:
CDH1-related diffuse gastric and lobular breast cancer syndrome. Also called: CDH1-related diffuse gastric and lobular breast cancer. Identifiers: MedGen CN311521, MONDO:0100488.
Hereditary cancer-predisposing syndrome. Also called: Tumor predisposition; Neoplastic Syndromes, Hereditary; Hereditary Cancer Syndrome; Hereditary neoplastic syndrome. Identifiers: Orphanet 140162, MedGen C0027672, MeSH D009386, MONDO:0015356.
Hereditary diffuse gastric adenocarcinoma (HDGC). Also called: DIFFUSE GASTRIC AND LOBULAR BREAST CANCER SYNDROME. Identifiers: Orphanet 26106, MedGen C1708349, MONDO:0007648, OMIM 137215.

Submissions (6):

Clingen Gastric Cancer Variant Curation Expert Panel
Classification: Pathogenic for CDH1-related diffuse gastric and lobular breast cancer syndrome. Last evaluated: 2023-08-25. Review status: reviewed by expert panel. Criteria: ClinGen CDH1 ACMG Specifications V3.1. Collection method: curation. Allele origin: germline. Inheritance: Autosomal dominant inheritance.
Comment: The c.1895_1896delAC (p.His632ArgfsTer30) variant is predicted to result in a premature stop codon that leads to a truncated or absent protein (PVS1, PM5_Supporting). The variant is absent in the gnomAD cohort (PM2_Supporting). This variant has been reported in at least two familes meeting HDGC clinical criteria (PS4_Moderate; PMID 26182300, DOI 10.2147/GICTT.S16330). In summary, this variant meets criteria to be classified as pathogenic based on the ACMG/AMP criteria applied as specified by the CDH1 Variant Curation Expert Panel (Variant Interpretation Guidelines Version 3.1): PVS1, PM2_Supporting, PS4_Moderate, PM5_Supporting.

Ambry Genetics
Classification: Pathogenic for Hereditary cancer-predisposing syndrome. Last evaluated: 2025-05-14. Review status: criteria provided, single submitter. Criteria: Ambry Variant Classification Scheme 2023. Collection method: clinical testing. Allele origin: germline. Not counted in ClinVar's aggregate classification.
Comment: The c.1895_1896delAC pathogenic mutation, located in coding exon 12 of the CDH1 gene, results from a deletion of two nucleotides at nucleotide positions 1895 to 1896, causing a translational frameshift with a predicted alternate stop codon (p.H632Rfs*30). This variant is considered to be rare based on population cohorts in the Genome Aggregation Database (gnomAD). This alteration is expected to result in loss of function by premature protein truncation or nonsense-mediated mRNA decay. As such, this alteration is interpreted as a disease-causing mutation.

Myriad Genetics, Inc.
Classification: Pathogenic for Hereditary diffuse gastric adenocarcinoma. Last evaluated: 2023-03-03. Review status: criteria provided, single submitter. Criteria: Myriad Autosomal Dominant, Autosomal Recessive and X-Linked Classification Criteria (2023). Collection method: clinical testing. Allele origin: unknown. Not counted in ClinVar's aggregate classification.
Comment: This variant is considered pathogenic. This variant creates a frameshift predicted to result in premature protein truncation.

Labcorp Genetics (formerly Invitae), Labcorp
Classification: Pathogenic for Hereditary diffuse gastric adenocarcinoma. Last evaluated: 2020-12-26. Review status: criteria provided, single submitter. Criteria: Invitae Variant Classification Sherloc (09022015). Collection method: clinical testing. Allele origin: germline. Not counted in ClinVar's aggregate classification.
Comment: For these reasons, this variant has been classified as Pathogenic. While this particular variant has not been reported in the literature, truncating variants in CDH1 are known to be pathogenic (PMID: 15235021, 20373070). This sequence change deletes 2 nucleotides from exon 12 of the CDH1 mRNA (c.1895_1896delAC), causing a frameshift at codon 632. This creates a premature translational stop signal (p.His632Argfs*30) and is expected to result in an absent or disrupted protein product.

Women's Health and Genetics/Laboratory Corporation of America, LabCorp
Classification: Likely pathogenic for Hereditary diffuse gastric adenocarcinoma. Last evaluated: 2016-12-09. Review status: criteria provided, single submitter. Criteria: LabCorp Variant Classification Summary - May 2015. Collection method: clinical testing. Allele origin: germline. Not counted in ClinVar's aggregate classification.
Comment: Variant summary: The CDH1 c.1895_1896delAC (p.His632Argfs) variant results in a premature termination codon, predicted to cause a truncated or absent CDH1 protein due to nonsense mediated decay, which are commonly known mechanisms for disease. One in silico tool predicts a damaging outcome for this variant. This variant is absent in 12988 control chromosomes. This variant has been reported in multiple families with strong fx of GC. One of the families showed partial co-segregation of variant with diease, suggesting this variant may be of low penetrance. HDGC is known to be an uncommon hereditary form of GC with variable penetrance, 67% for men and 83% for women (Shenoy_2011). The variant of interest has not, to our knowledge, been reported in affected individuals via reputable databases/clinical diagnostic laboratories; evaluated for functional impact by in vivo/vitro studies. Taken together, this variant is classified as likely pathogenic.

Counsyl
Classification: Likely pathogenic for Hereditary diffuse gastric adenocarcinoma. Last evaluated: 2017-03-24. Review status: no assertion criteria provided. Collection method: clinical testing. Allele origin: unknown. Not counted in ClinVar's aggregate classification.

Literature cited by the submitters: PubMed 26182300 (cited by Clingen Gastric Cancer Variant Curation Expert Panel and Women's Health and Genetics/Laboratory Corporation of America, LabCorp); PubMed 15235021 (cited by Labcorp Genetics (formerly Invitae), Labcorp); PubMed 20373070 (cited by Labcorp Genetics (formerly Invitae), Labcorp).

NM_004360.5(CDH1):c.1895_1896del (p.His632fs)

Gene: CDH1 (cadherin 1; plus strand). Cytogenetic location: 16q22.1.
Variant type: Microsatellite.
Coding change: c.1895_1896del on transcript NM_004360.5 (MANE Select); coding-DNA positions 1895 to 1896, 2 bases deleted (AC; older notation c.1895_1896delAC).
Protein change: p.His632fs; shifts the reading frame from histidine 632.
Molecular consequence: frameshift variant. On other transcripts: 5 prime UTR variant (1).
Genome position (GRCh38, 1-based): chr16:68,822,184-68,822,185, AC deleted; deleting any 2 consecutive bases within chr16:68,822,180-68,822,185 gives the same sequence; the c. name uses the placement nearest the transcript's 3' end. VCF-style (leftmost placement, unchanged base first): chr16-68822179-AAC-A. GRCh37 (hg19) VCF-style: chr16-68856082-AAC-A.
Other names: c.1712_1713del, p.His571fs (NM_001317184.2); c.347_348del, p.His116fs (NM_001317185.2); c.-75AC[2] (NM_001317186.2); short protein forms H571fs, H632fs, H116fs.
Identifiers: ClinVar variation 406628 (VCV000406628.15), dbSNP rs1060501224, ClinGen allele CA16615404.